The following is an entry in ClinVar:

ClinVar aggregate classification (germline): Uncertain significance (1 of 4 stars; one submission).

gnomAD v4.1: 3 of 1,601,908 alleles (0.00019%); highest among the groups gnomAD compares: African/African-American, 0.004%; no homozygotes.

Submission:

Ambry Genetics
Classification: Uncertain significance. Last evaluated: 2024-10-28. Review status: criteria provided, single submitter. Criteria: Ambry Variant Classification Scheme 2023. Collection method: clinical testing. Allele origin: germline.
Comment: The p.A576V variant (also known as c.1727C>T), located in coding exon 13 of the RECQL gene, results from a C to T substitution at nucleotide position 1727. The alanine at codon 576 is replaced by valine, an amino acid with similar properties. This amino acid position is conserved. In addition, this alteration is predicted to be tolerated by in silico analysis. Based on the available evidence, the clinical significance of this variant remains unclear.

NM_002907.4(RECQL):c.1727C>T (p.Ala576Val)

Genes: PYROXD1 (pyridine nucleotide-disulphide oxidoreductase domain 1; plus strand), RECQL (RecQ like helicase; minus strand). Cytogenetic location: 12p12.1.
Variant type: single nucleotide variant.
Coding change: c.1727C>T on transcript NM_002907.4 (MANE Select); coding-DNA position 1727, C replaced by T.
Protein change: p.Ala576Val; replaces alanine 576 with valine.
Molecular consequence: missense variant. On other transcripts: 3 prime UTR variant (3).
Genome position (GRCh38, 1-based): chr12:21,471,039, G>A on the plus strand (C>T on the coding strand, the complement: RECQL is on the minus strand). VCF-style: chr12-21471039-G-A. GRCh37 (hg19) VCF-style: chr12-21623973-G-A.
Other names: c.1727C>T, p.Ala576Val (NM_032941.3); c.*2285G>A (NM_001350912.2, NM_001350913.2, NM_024854.5); short protein forms A576V.
Identifiers: ClinVar variation 3431815 (VCV003431815.1).